The following is an entry in ClinVar:

NM_004453.4(ETFDH):c.1691-300T>C

Gene: ETFDH (electron transfer flavoprotein dehydrogenase; plus strand). Cytogenetic location: 4q32.1.
Variant type: single nucleotide variant.
Coding change: c.1691-300T>C on transcript NM_004453.4 (MANE Select); 300 bases into the intron before coding-DNA position 1691, T replaced by C.
Molecular consequence: intron variant.
Genome position (GRCh38, 1-based): chr4:158,708,064, T>C. VCF-style: chr4-158708064-T-C. GRCh37 (hg19) VCF-style: chr4-159629216-T-C.
Other names: c.1550-300T>C (NM_001281737.2); c.1508-300T>C (NM_001281738.1).
Identifiers: ClinVar variation 3898740 (VCV003898740.7).

ClinVar aggregate classification (germline): Likely benign (1 of 4 stars; one submission).

Submission:

CeGaT Center for Human Genetics Tuebingen
Classification: Likely benign. Last evaluated: 2025-04-01. Review status: criteria provided, single submitter. Criteria: CeGaT Center For Human Genetics Tuebingen Variant Classification Criteria Version 2. Collection method: clinical testing. Allele origin: germline. Affected: yes. Observed: 1 variant allele.
Comment: ETFDH: PM2:Supporting, BP4, BP7